The following is an entry in ClinVar:

ClinVar aggregate classification (germline): Uncertain significance (1 of 4 stars; one submission).

Conditions:
Hereditary spastic paraplegia 11. Also called: Nakamura Osame syndrome; Autosomal recessive hereditary spastic paraplegia, mental impairment, and thin corpus callosum; Spastic Paraplegia 11; SPASTIC PARAPLEGIA, AUTOSOMAL RECESSIVE, COMPLICATED, WITH THIN CORPUS CALLOSUM; SPASTIC PARAPLEGIA, AUTOSOMAL RECESSIVE, WITH MENTAL IMPAIRMENT AND THIN CORPUS CALLOSUM; Spastic paraplegia, mental retardation and thin corpus callosum. Identifiers: Orphanet 2822, MedGen C1858479, MONDO:0011445, OMIM 604360.

Allele frequency attached by ClinVar (database versions not stated): gnomAD exomes 0.00001; TOPMed 0.00001.
gnomAD v4.1: 5 of 1,607,928 alleles (0.00031%); highest among the groups gnomAD compares: Admixed American, 0.0084%; no homozygotes.

Submission:

Labcorp Genetics (formerly Invitae), Labcorp
Classification: Uncertain significance for Hereditary spastic paraplegia 11. Last evaluated: 2022-07-07. Review status: criteria provided, single submitter. Criteria: Invitae Variant Classification Sherloc (09022015). Collection method: clinical testing. Allele origin: germline.
Comment: This sequence change replaces glycine, which is neutral and non-polar, with serine, which is neutral and polar, at codon 82 of the SPG11 protein (p.Gly82Ser). This variant is present in population databases (no rsID available, gnomAD 0.02%). This variant has not been reported in the literature in individuals affected with SPG11-related conditions. ClinVar contains an entry for this variant (Variation ID: 1399617). Algorithms developed to predict the effect of missense changes on protein structure and function are either unavailable or do not agree on the potential impact of this missense change (SIFT: "Deleterious"; PolyPhen-2: "Possibly Damaging"; Align-GVGD: "Class C0"). In summary, the available evidence is currently insufficient to determine the role of this variant in disease. Therefore, it has been classified as a Variant of Uncertain Significance.

NM_025137.4(SPG11):c.244G>A (p.Gly82Ser)

Gene: SPG11 (SPG11 vesicle trafficking associated, spatacsin; minus strand). Cytogenetic location: 15q21.1.
Variant type: single nucleotide variant.
Coding change: c.244G>A on transcript NM_025137.4 (MANE Select); coding-DNA position 244, G replaced by A.
Protein change: p.Gly82Ser; replaces glycine 82 with serine.
Molecular consequence: missense variant.
Genome position (GRCh38, 1-based): chr15:44,663,404, C>T on the plus strand (G>A on the coding strand, the complement: SPG11 is on the minus strand). VCF-style: chr15-44663404-C-T. GRCh37 (hg19) VCF-style: chr15-44955602-C-T.
Other names: c.244G>A, p.Gly82Ser (NM_001160227.2); short protein forms G82S.
Identifiers: ClinVar variation 1399617 (VCV001399617.5), dbSNP rs774004835, ClinGen allele CA392238504.